The following is an entry in ClinVar:

ClinVar aggregate classification (germline): Uncertain significance (1 of 4 stars; one submission).

Allele frequency attached by ClinVar (database versions not stated): gnomAD exomes below 0.00001; ExAC 0.00001; gnomAD 0.00001; TOPMed 0.00001.
gnomAD v4.1: 4 of 1,613,968 alleles (0.00025%); highest among the groups gnomAD compares: Admixed American, 0.0067%; no homozygotes.

Submission:

Labcorp Genetics (formerly Invitae), Labcorp
Classification: Uncertain significance. Last evaluated: 2022-08-29. Review status: criteria provided, single submitter. Criteria: Invitae Variant Classification Sherloc (09022015). Collection method: clinical testing. Allele origin: germline.
Comment: This sequence change replaces serine, which is neutral and polar, with leucine, which is neutral and non-polar, at codon 317 of the CDH2 protein (p.Ser317Leu). This variant is present in population databases (rs753401951, gnomAD 0.006%). This variant has not been reported in the literature in individuals affected with CDH2-related conditions. Algorithms developed to predict the effect of missense changes on protein structure and function are either unavailable or do not agree on the potential impact of this missense change (SIFT: "Deleterious"; PolyPhen-2: "Possibly Damaging"; Align-GVGD: "Class C0"). In summary, the available evidence is currently insufficient to determine the role of this variant in disease. Therefore, it has been classified as a Variant of Uncertain Significance.

NM_001792.5(CDH2):c.950C>T (p.Ser317Leu)

Gene: CDH2 (cadherin 2; minus strand). Cytogenetic location: 18q12.1.
Variant type: single nucleotide variant.
Coding change: c.950C>T on transcript NM_001792.5 (MANE Select); coding-DNA position 950, C replaced by T.
Protein change: p.Ser317Leu; replaces serine 317 with leucine.
Molecular consequence: missense variant.
Genome position (GRCh38, 1-based): chr18:28,003,067, G>A on the plus strand (C>T on the coding strand, the complement: CDH2 is on the minus strand). VCF-style: chr18-28003067-G-A. GRCh37 (hg19) VCF-style: chr18-25583031-G-A.
Other names: c.857C>T, p.Ser286Leu (NM_001308176.2); short protein forms S317L, S286L.
Identifiers: ClinVar variation 2127257 (VCV002127257.4), dbSNP rs753401951, ClinGen allele CA8923564.